The following is an entry in ClinVar:

NM_000593.6(TAP1):c.1740+2T>C

Gene: TAP1 (transporter 1, ATP binding cassette subfamily B member; minus strand). Cytogenetic location: 6p21.32.
Variant type: single nucleotide variant.
Coding change: c.1740+2T>C on transcript NM_000593.6 (MANE Select); the canonical splice donor site of the intron after coding-DNA position 1740, T replaced by C.
Molecular consequence: splice donor variant.
Genome position (GRCh38, 1-based): chr6:32,847,917, A>G on the plus strand (T>C on the coding strand, the complement: TAP1 is on the minus strand). VCF-style: chr6-32847917-A-G. GRCh37 (hg19) VCF-style: chr6-32815694-A-G.
Other names: c.1137+2T>C (NM_001292022.2).
Identifiers: ClinVar variation 2778172 (VCV002778172.3), dbSNP rs759163719, ClinGen allele CA363591330.

ClinVar aggregate classification (germline): Likely pathogenic (1 of 4 stars; one submission).

Conditions:
MHC class I deficiency. Identifiers: Orphanet 34592, MedGen C6024714, MONDO:0011476.

Submission:

Labcorp Genetics (formerly Invitae), Labcorp
Classification: Likely pathogenic for MHC class I deficiency 1. Last evaluated: 2024-01-31. Review status: criteria provided, single submitter. Criteria: Invitae Variant Classification Sherloc (09022015). Collection method: clinical testing. Allele origin: germline.
Comment: This sequence change affects a donor splice site in intron 8 of the TAP1 gene. It is expected to disrupt RNA splicing. Variants that disrupt the donor or acceptor splice site typically lead to a loss of protein function (PMID: 16199547), and loss-of-function variants in TAP1 are known to be pathogenic (PMID: 10074494, 10074495). This variant is not present in population databases (gnomAD no frequency). This variant has not been reported in the literature in individuals affected with TAP1-related conditions. Algorithms developed to predict the effect of sequence changes on RNA splicing suggest that this variant may disrupt the consensus splice site. In summary, the currently available evidence indicates that the variant is pathogenic, but additional data are needed to prove that conclusively. Therefore, this variant has been classified as Likely Pathogenic.

Literature cited by the submitters: PubMed 16199547; PubMed 10074494; PubMed 10074495.